The following is an entry in ClinVar:

NM_016589.4(TIMMDC1):c.546C>T (p.Asn182=)

Gene: TIMMDC1 (translocase of inner mitochondrial membrane domain containing 1; plus strand). Cytogenetic location: 3q13.33.
Variant type: single nucleotide variant.
Coding change: c.546C>T on transcript NM_016589.4 (MANE Select); coding-DNA position 546, C replaced by T.
Protein change: p.Asn182=; no amino-acid change (asparagine 182 retained).
Molecular consequence: synonymous variant.
Genome position (GRCh38, 1-based): chr3:119,513,669, C>T. VCF-style: chr3-119513669-C-T. GRCh37 (hg19) VCF-style: chr3-119232516-C-T.
Identifiers: ClinVar variation 3039255 (VCV003039255.2), dbSNP rs781720425, ClinGen allele CA2555280.

ClinVar aggregate classification (germline): Likely benign (0 of 4 stars; one submission).

Conditions:
TIMMDC1-related disorder. Also called: TIMMDC1-related condition.

Allele frequency attached by ClinVar (database versions not stated): ExAC 0.00001; gnomAD 0.00002; TOPMed 0.00002.
gnomAD v4.1: 11 of 1,611,896 alleles (0.00068%); highest among the groups gnomAD compares: African/African-American, 0.0027%; no homozygotes.

Submission:

PreventionGenetics, part of Exact Sciences
Classification: Likely benign for TIMMDC1-related condition. Last evaluated: 2019-05-23. Review status: no assertion criteria provided. Collection method: clinical testing. Allele origin: germline.
Comment: This variant is classified as likely benign based on ACMG/AMP sequence variant interpretation guidelines (Richards et al. 2015 PMID: 25741868, with internal and published modifications).